The following is an entry in ClinVar:

ClinVar aggregate classification (germline): Uncertain significance (1 of 4 stars; one submission).

Allele frequency attached by ClinVar (database versions not stated): gnomAD 0.00001.
gnomAD v4.1: 1 of 1,613,938 alleles (0.000062%); highest among the groups gnomAD compares: African/African-American, 0.0013%; no homozygotes.

Submission:

Labcorp Genetics (formerly Invitae), Labcorp
Classification: Uncertain significance. Last evaluated: 2023-07-07. Review status: criteria provided, single submitter. Criteria: Invitae Variant Classification Sherloc (09022015). Collection method: clinical testing. Allele origin: germline.
Comment: This sequence change replaces proline, which is neutral and non-polar, with serine, which is neutral and polar, at codon 5343 of the HMCN1 protein (p.Pro5343Ser). This variant is not present in population databases (gnomAD no frequency). In summary, the available evidence is currently insufficient to determine the role of this variant in disease. Therefore, it has been classified as a Variant of Uncertain Significance. An algorithm developed to predict the effect of missense changes on protein structure and function (PolyPhen-2) suggests that this variant is likely to be disruptive. ClinVar contains an entry for this variant (Variation ID: 2039305). This variant has not been reported in the literature in individuals affected with HMCN1-related conditions.

NM_031935.3(HMCN1):c.16027C>T (p.Pro5343Ser)

Gene: HMCN1 (hemicentin 1; plus strand). Cytogenetic location: 1q31.1.
Variant type: single nucleotide variant.
Coding change: c.16027C>T on transcript NM_031935.3 (MANE Select); coding-DNA position 16027, C replaced by T.
Protein change: p.Pro5343Ser; replaces proline 5343 with serine.
Molecular consequence: missense variant.
Genome position (GRCh38, 1-based): chr1:186,178,499, C>T. VCF-style: chr1-186178499-C-T. GRCh37 (hg19) VCF-style: chr1-186147631-C-T.
Other names: short protein forms P5343S.
Identifiers: ClinVar variation 2039305 (VCV002039305.4), dbSNP rs1652738015, ClinGen allele CA343937455.
Genomic context (GRCh38, chr1:186,178,499, plus strand): 5'-CCTAAACCTTGTGCACATCAGTGCTCCAACACCCCCGGCAGCTTCAAGTGTATCTGTCCA[C>T]CAGGACAACATTTATTAGGGGACGGGAAATCTTGCGCTGGATTGGAGAGGCTGCCAAATT-3'
Protein context (NP_114141.2, residues 5333-5353): TPGSFKCICP[Pro5343Ser]GQHLLGDGKS